The following is an entry in ClinVar:

ClinVar aggregate classification (germline): Pathogenic. Review status: criteria provided, single submitter (1 of 4 stars). 2 submissions from 2 submitters: Pathogenic (1). 1 of the submissions does not count toward it. Last evaluated 2023-03-21.

Conditions:
Wilson disease (WND). Also called: Wilson's disease. Identifiers: Orphanet 905, MedGen C0019202, MONDO:0010200, OMIM 277900. Disease mechanism: loss of function.

Submissions (2):

Women's Health and Genetics/Laboratory Corporation of America, LabCorp
Classification: Pathogenic for Wilson disease. Last evaluated: 2023-03-21. Review status: criteria provided, single submitter. Criteria: LabCorp Variant Classification Summary - May 2015. Collection method: clinical testing. Allele origin: germline.
Comment: Variant summary: ATP7B c.2438_2440delinsAT (p.Leu813TyrfsX60) results in a premature termination codon, predicted to cause a truncation of the encoded protein or absence of the protein due to nonsense mediated decay, which are commonly known mechanisms for disease. Truncations downstream of this position have been classified as pathogenic by our laboratory. The variant was absent in 249424 control chromosomes. c.2438_2440delinsAT has been reported in the literature in a compound heterozygous individual affected with Wilson Disease (Deguti_2004). To our knowledge, no experimental evidence demonstrating an impact on protein function has been reported. One clinical diagnostic laboratory has submitted clinical-significance assessments for this variant to ClinVar after 2014 without evidence for independent evaluation. One laboratory classified the variant as ikely pathogenic. Based on the evidence outlined above, the variant was classified as pathogenic.

Counsyl
Classification: Likely pathogenic for Wilson disease. Last evaluated: 2018-02-13. Review status: no assertion criteria provided. Collection method: clinical testing. Allele origin: unknown. Not counted in ClinVar's aggregate classification.

Literature cited by the submitters: PubMed 15024742 (cited by Women's Health and Genetics/Laboratory Corporation of America, LabCorp and Counsyl).

NM_000053.4(ATP7B):c.2438_2440delinsAT (p.Leu813fs)

Gene: ATP7B (ATPase copper transporting beta; minus strand). Cytogenetic location: 13q14.3.
Variant type: Indel.
Coding change: c.2438_2440delinsAT on transcript NM_000053.4 (MANE Select); coding-DNA positions 2438 to 2440, TAA replaced by AT.
Protein change: p.Leu813fs; shifts the reading frame from leucine 813.
Molecular consequence: frameshift variant.
Genome position (GRCh38, 1-based): chr13:51,957,523-51,957,525, TTA replaced by AT on the plus strand (TAA replaced by AT on the coding strand, the reverse complement: ATP7B is on the minus strand). VCF-style: chr13-51957523-TTA-AT. GRCh37 (hg19) VCF-style: chr13-52531659-TTA-AT.
Other names: c.2438_2440delTAAinsAT (NM_000053.3); c.1952_1954delinsAT, p.Leu651fs (NM_001005918.3); c.2105_2107delinsAT, p.Leu702fs (NM_001243182.2); c.2204_2206delinsAT, p.Leu735fs (NM_001330578.2); c.2186_2188delinsAT, p.Leu729fs (NM_001330579.2); c.2438_2440delinsAT (NM_000053.3); short protein forms L735fs, L651fs, L813fs, L702fs, L729fs.
Identifiers: ClinVar variation 556591 (VCV000556591.3), dbSNP rs1555290810, ClinGen allele CA658823709.